The following is an entry in ClinVar:

ClinVar aggregate classification (germline): Uncertain significance (1 of 4 stars; one submission).

Conditions:
Familial hemophagocytic lymphohistiocytosis 3 (FHL3). Also called: UNC13D-Related Familial Hemophagocytic Lymphohistiocytosis (UNC13D-fHLH). Identifiers: Orphanet 540, MedGen C1837174, MONDO:0012146, OMIM 608898.

Allele frequency attached by ClinVar (database versions not stated): gnomAD 0.00001; TOPMed 0.00001.

Submission:

Labcorp Genetics (formerly Invitae), Labcorp
Classification: Uncertain significance for Familial hemophagocytic lymphohistiocytosis 3. Last evaluated: 2022-08-23. Review status: criteria provided, single submitter. Criteria: Invitae Variant Classification Sherloc (09022015). Collection method: clinical testing. Allele origin: germline.
Comment: This sequence change replaces arginine, which is basic and polar, with glutamine, which is neutral and polar, at codon 889 of the UNC13D protein (p.Arg889Gln). The frequency data for this variant in the population databases is considered unreliable, as metrics indicate poor data quality at this position in the gnomAD database. This variant has not been reported in the literature in individuals affected with UNC13D-related conditions. ClinVar contains an entry for this variant (Variation ID: 966317). Algorithms developed to predict the effect of missense changes on protein structure and function output the following: SIFT: "Not Available"; PolyPhen-2: "Benign"; Align-GVGD: "Not Available". The glutamine amino acid residue is found in multiple mammalian species, which suggests that this missense change does not adversely affect protein function. In summary, the available evidence is currently insufficient to determine the role of this variant in disease. Therefore, it has been classified as a Variant of Uncertain Significance.

NM_199242.3(UNC13D):c.2666G>A (p.Arg889Gln)

Genes: UNC13D (unc-13 homolog D; minus strand), LOC112533672 (Sharpr-MPRA regulatory region 1193; plus strand). Cytogenetic location: 17q25.1.
Variant type: single nucleotide variant.
Coding change: c.2666G>A on transcript NM_199242.3 (MANE Select); coding-DNA position 2666, G replaced by A.
Protein change: p.Arg889Gln; replaces arginine 889 with glutamine.
Molecular consequence: missense variant.
Genome position (GRCh38, 1-based): chr17:75,830,621, C>T on the plus strand (G>A on the coding strand, the complement: UNC13D is on the minus strand). VCF-style: chr17-75830621-C-T. GRCh37 (hg19) VCF-style: chr17-73826702-C-T.
Other names: short protein forms R889Q.
Identifiers: ClinVar variation 966317 (VCV000966317.4), dbSNP rs371000216, ClinGen allele CA8772435.